The following is an entry in ClinVar:

NM_003060.4(SLC22A5):c.1035C>G (p.Ile345Met)

Gene: SLC22A5 (solute carrier family 22 member 5; plus strand). Cytogenetic location: 5q31.1.
Variant type: single nucleotide variant.
Coding change: c.1035C>G on transcript NM_003060.4 (MANE Select); coding-DNA position 1035, C replaced by G.
Protein change: p.Ile345Met; replaces isoleucine 345 with methionine.
Molecular consequence: missense variant.
Genome position (GRCh38, 1-based): chr5:132,389,004, C>G. VCF-style: chr5-132389004-C-G. GRCh37 (hg19) VCF-style: chr5-131724696-C-G.
Other names: p.Ile345Met; c.1107C>G, p.Ile369Met (NM_001308122.2); short protein forms I345M, I369M.
Identifiers: ClinVar variation 1707664 (VCV001707664.4), dbSNP rs780982778, ClinGen allele CA3404046.

ClinVar aggregate classification (germline): Uncertain significance. Review status: criteria provided, multiple submitters, no conflicts (2 of 4 stars). 2 submissions from 2 submitters: Uncertain significance (2). Last evaluated 2023-12-22.

Conditions:
Renal carnitine transport defect (CDSP). Also called: Systemic primary carnitine deficiency; Primary carnitine deficiency; Systemic primary carnitine deficiency disease; CARNITINE DEFICIENCY, SYSTEMIC, DUE TO DEFECT IN RENAL REABSORPTION OF CARNITINE; CARNITINE TRANSPORTER, PLASMA-MEMBRANE, DEFICIENCY OF; CARNITINE UPTAKE DEFECT. Identifiers: Orphanet 158, MedGen C0342788, MONDO:0008919, OMIM 212140.

Allele frequency attached by ClinVar (database versions not stated): TOPMed below 0.00001; ExAC 0.00002.
gnomAD v4.1: 4 of 1,611,770 alleles (0.00025%); highest among the groups gnomAD compares: Admixed American, 0.0067%; no homozygotes.

Submissions (2):

Labcorp Genetics (formerly Invitae), Labcorp
Classification: Uncertain significance for Renal carnitine transport defect. Last evaluated: 2023-12-22. Review status: criteria provided, single submitter. Criteria: Invitae Variant Classification Sherloc (09022015). Collection method: clinical testing. Allele origin: germline.
Comment: This sequence change replaces isoleucine, which is neutral and non-polar, with methionine, which is neutral and non-polar, at codon 345 of the SLC22A5 protein (p.Ile345Met). This variant is present in population databases (rs780982778, gnomAD 0.01%). This variant has not been reported in the literature in individuals affected with SLC22A5-related conditions. ClinVar contains an entry for this variant (Variation ID: 1707664). Advanced modeling of protein sequence and biophysical properties (such as structural, functional, and spatial information, amino acid conservation, physicochemical variation, residue mobility, and thermodynamic stability) performed at Invitae indicates that this missense variant is expected to disrupt SLC22A5 protein function with a positive predictive value of 80%. In summary, the available evidence is currently insufficient to determine the role of this variant in disease. Therefore, it has been classified as a Variant of Uncertain Significance.

Giacomini Lab, University of California, San Francisco
Classification: Uncertain significance for Renal carnitine transport defect. Last evaluated: 2022-10-03. Review status: criteria provided, single submitter. Criteria: ACMG Guidelines, 2015. Collection method: research, in vitro. Allele origin: germline, not applicable.